The following is an entry in ClinVar:

ClinVar aggregate classification (germline): Benign. Review status: criteria provided, multiple submitters, no conflicts (2 of 4 stars). 3 submissions from 3 submitters: Benign (2). 1 of the submissions does not count toward it. Last evaluated 2018-11-12.

Conditions:
Spermatogenic failure 10 (SPGF10). Also called: SPERMATOGENIC FAILURE 10, SUSCEPTIBILITY TO; SPERMATOGENIC FAILURE WITH DEFECTIVE SPERM ANNULUS. Identifiers: Orphanet 276234, MedGen C3553793, MONDO:0013901, OMIM 614822.

Allele frequency attached by ClinVar (database versions not stated): ESP Exome Variant Server 0.24581; TOPMed 0.25476; ExAC 0.28853; 1000 Genomes Project 30x 0.31059; 1000 Genomes Project 0.31310; gnomAD 0.23656.
gnomAD v4.1: 440,052 of 1,613,832 alleles (27%); highest among the groups gnomAD compares: South Asian, 41%; 62,103 homozygotes.

Submissions (3):

GeneDx
Classification: Benign. Last evaluated: 2018-11-12. Review status: criteria provided, single submitter. Criteria: GeneDx Variant Classification Process June 2021. Collection method: clinical testing. Allele origin: germline. Affected: yes.
Comment: This variant is associated with the following publications: (PMID: 22479503)

Breakthrough Genomics
Classification: Benign. Review status: criteria provided, single submitter. Criteria: ACMG Guidelines, 2015. Collection method: not provided. Allele origin: germline. Inheritance: Autosomal dominant inheritance. Affected: yes.

OMIM
Classification: risk factor for SPERMATOGENIC FAILURE 10, SUSCEPTIBILITY TO. Last evaluated: 2012-01-01. Review status: no assertion criteria provided. Collection method: literature only. Allele origin: germline. Not counted in ClinVar's aggregate classification.

Literature cited by the submitters: PubMed 22479503 (cited by OMIM).

NM_144605.5(SEPTIN12):c.474G>A (p.Val158=)

Gene: SEPTIN12 (septin 12; minus strand). Cytogenetic location: 16p13.3.
Variant type: single nucleotide variant.
Coding change: c.474G>A on transcript NM_144605.5 (MANE Select); coding-DNA position 474, G replaced by A.
Protein change: p.Val158=; no amino-acid change (valine 158 retained).
Molecular consequence: synonymous variant. On other transcripts: intron variant (1).
Genome position (GRCh38, 1-based): chr16:4,783,969, C>T on the plus strand (G>A on the coding strand, the complement: SEPTIN12 is on the minus strand). VCF-style: chr16-4783969-C-T. GRCh37 (hg19) VCF-style: chr16-4833970-C-T.
Other names: 474G-A; c.375-203G>A (NM_001154458.3).
Identifiers: ClinVar variation 37113 (VCV000037113.5), dbSNP rs759991, ClinGen allele CA7882071.